The following is an entry in ClinVar:

NM_033656.4(BRWD1):c.3933G>A (p.Thr1311=)

Gene: BRWD1 (bromodomain and WD repeat domain containing 1; minus strand). Cytogenetic location: 21q22.2.
Variant type: single nucleotide variant.
Coding change: c.3933G>A on transcript NM_033656.4 (MANE Select); coding-DNA position 3933, G replaced by A.
Protein change: p.Thr1311=; no amino-acid change (threonine 1311 retained).
Molecular consequence: synonymous variant.
Genome position (GRCh38, 1-based): chr21:39,210,897, C>T on the plus strand (G>A on the coding strand, the complement: BRWD1 is on the minus strand). VCF-style: chr21-39210897-C-T. GRCh37 (hg19) VCF-style: chr21-40582823-C-T.
Other names: c.3933G>A, p.Thr1311= (NM_018963.5).
Identifiers: ClinVar variation 3057057 (VCV003057057.2), dbSNP rs75046572, ClinGen allele CA10026804.

ClinVar aggregate classification (germline): Benign (0 of 4 stars; one submission).

Conditions:
BRWD1-related disorder. Also called: BRWD1-related condition.

Allele frequency attached by ClinVar (database versions not stated): 1000 Genomes Project 0.01777; 1000 Genomes Project 30x 0.01827; TOPMed 0.02894; ESP Exome Variant Server 0.03175.
gnomAD v4.1: 61,690 of 1,610,728 alleles (3.8%); highest among the groups gnomAD compares: Admixed American, 4.9%; 1,385 homozygotes.

Submission:

PreventionGenetics, part of Exact Sciences
Classification: Benign for BRWD1-related condition. Last evaluated: 2019-03-07. Review status: no assertion criteria provided. Collection method: clinical testing. Allele origin: germline.
Comment: This variant is classified as benign based on ACMG/AMP sequence variant interpretation guidelines (Richards et al. 2015 PMID: 25741868, with internal and published modifications).